The following is an entry in ClinVar:

NM_022552.5(DNMT3A):c.2053G>A (p.Gly685Arg)

Gene: DNMT3A (DNA methyltransferase 3 alpha; minus strand). Cytogenetic location: 2p23.3.
Variant type: single nucleotide variant.
Coding change: c.2053G>A on transcript NM_022552.5 (MANE Select); coding-DNA position 2053, G replaced by A.
Protein change: p.Gly685Arg; replaces glycine 685 with arginine.
Molecular consequence: missense variant. On other transcripts: non-coding transcript variant (1).
Genome position (GRCh38, 1-based): chr2:25,241,591, C>T on the plus strand (G>A on the coding strand, the complement: DNMT3A is on the minus strand). VCF-style: chr2-25241591-C-T. GRCh37 (hg19) VCF-style: chr2-25464460-C-T.
Other names: c.1597G>A, p.Gly533Arg (NM_001320893.1); c.1384G>A, p.Gly462Arg (NM_001375819.1); c.1486G>A, p.Gly496Arg (NM_153759.3); c.2053G>A, p.Gly685Arg (NM_175629.2); short protein forms G462R, G533R, G685R, G496R.
Identifiers: ClinVar variation 2144735 (VCV002144735.4), dbSNP rs779176507, ClinGen allele CA1555787.

ClinVar aggregate classification (germline): Uncertain significance (1 of 4 stars; one submission).

Conditions:
Tatton-Brown-Rahman overgrowth syndrome. Also called: Tatton-Brown-Rahman syndrome; Tall stature-intellectual disability-facial dysmorphism syndrome. Identifiers: Orphanet 404443, MedGen C4014545, MONDO:0014382, OMIM 615879.

Allele frequency attached by ClinVar (database versions not stated): gnomAD 0.00002.
gnomAD v4.1: 13 of 1,613,150 alleles (0.00081%); highest among the groups gnomAD compares: African/African-American, 0.0027%; no homozygotes.

Submission:

Labcorp Genetics (formerly Invitae), Labcorp
Classification: Uncertain significance for Tatton-Brown-Rahman overgrowth syndrome. Last evaluated: 2022-02-09. Review status: criteria provided, single submitter. Criteria: Invitae Variant Classification Sherloc (09022015). Collection method: clinical testing. Allele origin: germline.
Comment: In summary, the available evidence is currently insufficient to determine the role of this variant in disease. Therefore, it has been classified as a Variant of Uncertain Significance. Algorithms developed to predict the effect of missense changes on protein structure and function are either unavailable or do not agree on the potential impact of this missense change (SIFT: "Deleterious"; PolyPhen-2: "Possibly Damaging"; Align-GVGD: "Class C15"). This variant has not been reported in the literature in individuals affected with DNMT3A-related conditions. This variant is not present in population databases (gnomAD no frequency). This sequence change replaces glycine, which is neutral and non-polar, with arginine, which is basic and polar, at codon 685 of the DNMT3A protein (p.Gly685Arg).